The following is an entry in ClinVar:

ClinVar aggregate classification (germline): Pathogenic. Review status: criteria provided, multiple submitters, no conflicts (2 of 4 stars). 6 submissions from 6 submitters: Pathogenic (4). 2 of the submissions do not count toward it. Last evaluated 2024-12-12.

Conditions:
Hereditary cancer-predisposing syndrome. Also called: Neoplastic Syndromes, Hereditary; Hereditary Cancer Syndrome; Tumor predisposition; Hereditary neoplastic syndrome. Identifiers: Orphanet 140162, MedGen C0027672, MeSH D009386, MONDO:0015356.
Familial cancer of breast. Also called: BREAST CANCER, FAMILIAL; hereditary breast carcinoma; Hereditary breast cancer. Identifiers: Orphanet 227535, MedGen C0346153, MONDO:0016419, OMIM 114480. Disease mechanism: loss of function.
T-cell prolymphocytic leukemia. Identifiers: Orphanet 86871, MedGen C2363142, MONDO:0019468.
Ataxia-telangiectasia syndrome (AT). Also called: LOUIS-BAR SYNDROME; Cerebello-oculocutaneous telangiectasia; Immunodeficiency with ataxia telangiectasia; Ataxia-telangiectasia, complementation group D; AT, COMPLEMENTATION GROUP C; ATAXIA-TELANGIECTASIA, FRESNO VARIANT. Identifiers: Orphanet 100, MedGen C0004135, MONDO:0008840, OMIM 208900.

Submissions (6):

Labcorp Genetics (formerly Invitae), Labcorp
Classification: Pathogenic for Ataxia-telangiectasia syndrome. Last evaluated: 2024-12-12. Review status: criteria provided, single submitter. Criteria: Invitae Variant Classification Sherloc (09022015). Collection method: clinical testing. Allele origin: germline.
Comment: This sequence change creates a premature translational stop signal (p.Ser1770*) in the ATM gene. It is expected to result in an absent or disrupted protein product. Loss-of-function variants in ATM are known to be pathogenic (PMID: 23807571, 25614872). This variant is not present in population databases (gnomAD no frequency). This variant has not been reported in the literature in individuals affected with ATM-related conditions. ClinVar contains an entry for this variant (Variation ID: 3042). Algorithms developed to predict the effect of sequence changes on RNA splicing suggest that this variant may disrupt the consensus splice site. For these reasons, this variant has been classified as Pathogenic.

Myriad Genetics, Inc.
Classification: Pathogenic for Familial cancer of breast. Last evaluated: 2024-01-25. Review status: criteria provided, single submitter. Criteria: Myriad Autosomal Dominant, Autosomal Recessive and X-Linked Classification Criteria (2023). Collection method: clinical testing. Allele origin: unknown.
Comment: This variant is considered pathogenic. This variant creates a termination codon and is predicted to result in premature protein truncation.

Ambry Genetics
Classification: Pathogenic for Hereditary cancer-predisposing syndrome. Last evaluated: 2023-06-26. Review status: criteria provided, single submitter. Criteria: Ambry Variant Classification Scheme 2023. Collection method: clinical testing. Allele origin: germline.
Comment: The p.S1770* pathogenic mutation (also known as c.5309C>G), located in coding exon 34 of the ATM gene, results from a C to G substitution at nucleotide position 5309. This changes the amino acid from a serine to a stop codon within coding exon 34. This variant is considered to be rare based on population cohorts in the Genome Aggregation Database (gnomAD). This alteration is expected to result in loss of function by premature protein truncation or nonsense-mediated mRNA decay. As such, this alteration is interpreted as a disease-causing mutation.

Baylor Genetics
Classification: Pathogenic for Familial cancer of breast. Last evaluated: 2023-01-04. Review status: criteria provided, single submitter. Criteria: ACMG Guidelines, 2015. Collection method: clinical testing. Allele origin: unknown.

BRCAlab, Lund University
Classification: Pathogenic for Familial cancer of breast. Last evaluated: 2022-08-26. Review status: no assertion criteria provided. Collection method: clinical testing. Allele origin: germline. Affected: yes. Not counted in ClinVar's aggregate classification.

OMIM
Classification: Pathogenic for T-CELL PROLYMPHOCYTIC LEUKEMIA, SOMATIC. Last evaluated: 1997-10-01. Review status: no assertion criteria provided. Collection method: literature only. Allele origin: somatic. Not counted in ClinVar's aggregate classification.

Literature cited by the submitters: PubMed 23807571 (cited by Labcorp Genetics (formerly Invitae), Labcorp); PubMed 25614872 (cited by Labcorp Genetics (formerly Invitae), Labcorp); PubMed 9334731 (cited by OMIM).

NM_000051.4(ATM):c.5309C>G (p.Ser1770Ter)

Gene: ATM (ATM serine/threonine kinase; plus strand). Cytogenetic location: 11q22.3.
Variant type: single nucleotide variant.
Coding change: c.5309C>G on transcript NM_000051.4 (MANE Select); coding-DNA position 5309, C replaced by G.
Protein change: p.Ser1770Ter; replaces serine 1770 with a stop codon.
Molecular consequence: nonsense.
Genome position (GRCh38, 1-based): chr11:108,301,779, C>G. VCF-style: chr11-108301779-C-G. GRCh37 (hg19) VCF-style: chr11-108172506-C-G.
Other names: c.5309C>G, p.Ser1770Ter (NM_001351834.2); short protein forms S1770*.
Identifiers: ClinVar variation 3042 (VCV000003042.33), dbSNP rs121434223, ClinGen allele CA115949.